The following is an entry in ClinVar:

NM_000059.4(BRCA2):c.8298_8299dup (p.Pro2767fs)

Gene: BRCA2 (BRCA2 DNA repair associated; plus strand). Cytogenetic location: 13q13.1.
Variant type: Microsatellite.
Coding change: c.8298_8299dup on transcript NM_000059.4 (MANE Select); coding-DNA positions 8298 to 8299, 2 bases duplicated (AC; older notation c.8298_8299dupAC).
Protein change: p.Pro2767fs; shifts the reading frame from proline 2767.
Molecular consequence: frameshift variant.
Genome position (GRCh38, 1-based): chr13:32,363,500-32,363,501, AC duplicated; duplicating any 2 consecutive bases within chr13:32,363,498-32,363,501 gives the same sequence; the c. name uses the placement nearest the transcript's 3' end. VCF-style (leftmost placement, unchanged base first): chr13-32363497-T-TAC. GRCh37 (hg19) VCF-style: chr13-32937634-T-TAC.
Other names: 8527_8528insAC; c.8298_8299dupAC (NM_000059.3); short protein forms P2767fs.
Identifiers: ClinVar variation 52541 (VCV000052541.14), dbSNP rs397507973, ClinGen allele CA025556.
Genomic context (GRCh38, chr13:32,363,497, plus strand): 5'-GACAGTTGGTCAGAAGATTATTCTTCATGGAGCAGAACTGGTGGGCTCTCCTGATGCCTG[T>TAC]ACACCTCTTGAAGCCCCAGAATCTCTTATGTTAAAGGTAAATTAATTTGCACTCTTGGTA-3'

ClinVar aggregate classification (germline): Pathogenic. Review status: reviewed by expert panel (3 of 4 stars). 4 submissions from 4 submitters: Pathogenic (1). 3 of the submissions do not count toward it. Last evaluated 2016-10-18.

Conditions:
Hereditary cancer-predisposing syndrome. Also called: Neoplastic Syndromes, Hereditary; Tumor predisposition; Hereditary neoplastic syndrome; Hereditary Cancer Syndrome. Identifiers: Orphanet 140162, MedGen C0027672, MeSH D009386, MONDO:0015356.
Hereditary breast ovarian cancer syndrome. Also called: Hereditary breast and ovarian cancer syndrome; Hereditary breast and ovarian cancer; Hereditary breast and ovarian cancer syndrome (HBOC); Breast and ovarian cancer; Hereditary breast and/or ovarian cancer syndrome; BRCA1- and BRCA2-Associated Hereditary Breast and Ovarian Cancer. Identifiers: Orphanet 145, MedGen C0677776, MeSH D061325, MONDO:0003582. Disease mechanism: loss of function.
Breast-ovarian cancer, familial, susceptibility to, 2 (BROVCA2). Also called: BRCA2 Hereditary Breast and Ovarian Cancer. Identifiers: Orphanet 145, MedGen C2675520, MONDO:0012933, OMIM 612555. Disease mechanism: loss of function.

Submissions (4):

Evidence-based Network for the Interpretation of Germline Mutant Alleles (ENIGMA)
Classification: Pathogenic for Breast-ovarian cancer, familial, susceptibility to, 2. Last evaluated: 2016-10-18. Review status: reviewed by expert panel. Criteria: ENIGMA BRCA1/2 Classification Criteria (2015). Collection method: curation. Allele origin: germline.
Comment: Variant allele predicted to encode a truncated non-functional protein.

Ambry Genetics
Classification: Pathogenic for Hereditary cancer-predisposing syndrome. Last evaluated: 2023-12-06. Review status: criteria provided, single submitter. Criteria: Ambry Variant Classification Scheme 2023. Collection method: clinical testing. Allele origin: germline. Not counted in ClinVar's aggregate classification.
Comment: The c.8298_8299dupAC pathogenic mutation, located in coding exon 17 of the BRCA2 gene, results from a duplication of AC at nucleotide position 8298, causing a translational frameshift with a predicted alternate stop codon (p.P2767Hfs*11). This alteration was identified in an individual diagnosed with breast cancer (Kim J et al. Hum Genomics, 2023 Jan;17:2). This variant is considered to be rare based on population cohorts in the Genome Aggregation Database (gnomAD). This alteration is expected to result in loss of function by premature protein truncation or nonsense-mediated mRNA decay. As such, this alteration is interpreted as a disease-causing mutation.

Labcorp Genetics (formerly Invitae), Labcorp
Classification: Pathogenic for Hereditary breast ovarian cancer syndrome. Last evaluated: 2021-06-04. Review status: criteria provided, single submitter. Criteria: Invitae Variant Classification Sherloc (09022015). Collection method: clinical testing. Allele origin: germline. Not counted in ClinVar's aggregate classification.
Comment: This sequence change creates a premature translational stop signal (p.Pro2767Hisfs*11) in the BRCA2 gene. It is expected to result in an absent or disrupted protein product. Loss-of-function variants in BRCA2 are known to be pathogenic (PMID: 20104584). This variant is not present in population databases (ExAC no frequency). This variant has been observed in individual(s) with breast cancer (PMID: 22798144). This variant is also known as c.8299_8300insAC in the literature. For these reasons, this variant has been classified as Pathogenic.

Consortium of Investigators of Modifiers of BRCA1/2 (CIMBA), c/o University of Cambridge
Classification: Pathogenic for Breast-ovarian cancer, familial, susceptibility to, 2. Last evaluated: 2015-10-02. Review status: criteria provided, single submitter. Criteria: CIMBA Mutation Classification guidelines May 2016. Collection method: clinical testing. Allele origin: germline. Not counted in ClinVar's aggregate classification.

Literature cited by the submitters: PubMed 36604691 (cited by Ambry Genetics); PubMed 20104584 (cited by Labcorp Genetics (formerly Invitae), Labcorp); PubMed 22798144 (cited by Labcorp Genetics (formerly Invitae), Labcorp).